The following is an entry in ClinVar:

NM_001387751.1(DMTN):c.295-2A>T

Gene: DMTN (dematin actin binding protein; plus strand). Cytogenetic location: 8p21.3.
Variant type: single nucleotide variant.
Coding change: c.295-2A>T on transcript NM_001387751.1 (MANE Select); the canonical splice acceptor site of the intron before coding-DNA position 295, A replaced by T.
Molecular consequence: splice acceptor variant.
Genome position (GRCh38, 1-based): chr8:22,069,417, A>T. VCF-style: chr8-22069417-A-T. GRCh37 (hg19) VCF-style: chr8-21926928-A-T.
Other names: c.220-2A>T (NM_001323397.2, NM_001387723.1, NM_001323393.2 and 11 more transcripts); c.295-2A>T (NM_001323382.2, NM_001387735.1, NM_001387734.1 and 22 more transcripts); c.175-2A>T (NM_001323388.2, NM_001323399.2, NM_001387744.1 and 5 more transcripts); c.250-2A>T (NM_001387745.1, NM_001387743.1, NM_001323389.2 and 2 more transcripts).
Identifiers: ClinVar variation 2658462 (VCV002658462.24), dbSNP rs2537794970, ClinGen allele CA370481586.

ClinVar aggregate classification (germline): Uncertain significance (1 of 4 stars; one submission).

Submission:

CeGaT Center for Human Genetics Tuebingen
Classification: Uncertain significance. Last evaluated: 2022-07-01. Review status: criteria provided, single submitter. Criteria: CeGaT Center For Human Genetics Tuebingen Variant Classification Criteria Version 2. Collection method: clinical testing. Allele origin: germline. Affected: yes. Observed: 1 variant allele.
Comment: DMTN: PM2